The following is an entry in ClinVar:

NM_000384.3(APOB):c.638A>T (p.Asp213Val)

Gene: APOB (apolipoprotein B; minus strand). Cytogenetic location: 2p24.1.
Variant type: single nucleotide variant.
Coding change: c.638A>T on transcript NM_000384.3 (MANE Select); coding-DNA position 638, A replaced by T.
Protein change: p.Asp213Val; replaces aspartic acid 213 with valine.
Molecular consequence: missense variant.
Genome position (GRCh38, 1-based): chr2:21,037,155, T>A on the plus strand (A>T on the coding strand, the complement: APOB is on the minus strand). VCF-style: chr2-21037155-T-A. GRCh37 (hg19) VCF-style: chr2-21260027-T-A.
Other names: short protein forms D213V.
Identifiers: ClinVar variation 334178 (VCV000334178.14), dbSNP rs370711366, ClinGen allele CA063147.
Genomic context (GRCh38, chr2:21,037,155, plus strand): 5'-CTTACCATGCCTTTGATGAGAGCAAGTGGGCTGATGCCTGTGCGGATGGGCTTGAAGCGA[T>A]CACACTGCCCCAGGTCTCTTTCAGTGGATATTTCTGTTGCCACATTGCCCTTCCTCGTCT-3'
Protein context (NP_000375.3, residues 203-223): ISTERDLGQC[Asp213Val]RFKPIRTGIS

ClinVar aggregate classification (germline): Conflicting classifications of pathogenicity. Review status: criteria provided, conflicting classifications (1 of 4 stars). 6 submissions from 5 submitters: Uncertain significance (5); Likely benign (1). Last evaluated 2026-01-26.

Conditions:
Cardiovascular phenotype. Identifiers: MedGen CN230736.
Hypercholesterolemia, autosomal dominant, type B (FHCL2). Also called: Familial hypercholesterolemia 2; Familial Hypercholesterolemia Type B; APOLIPOPROTEIN B-100, FAMILIAL DEFECTIVE; APOLIPOPROTEIN B-100, FAMILIAL LIGAND-DEFECTIVE; HYPERCHOLESTEROLEMIA, FAMILIAL, DUE TO LIGAND-DEFECTIVE APOLIPOPROTEIN B; APOB-Related Familial Hypercholesterolemia, Autosomal Dominant. Identifiers: MedGen C1704417, MONDO:0007751, OMIM 144010.
Familial hypobetalipoproteinemia 1. Also called: Hypobetalipoproteinemia, normotriglyceridemic; Acanthocytosis with hypobetalipoproteinemia; APOB-Related Familial Hypobetalipoproteinemia. Identifiers: MedGen C4551990, MONDO:0014252, OMIM 615558.

Allele frequency attached by ClinVar (database versions not stated): gnomAD 0.00001; ExAC 0.00002; gnomAD exomes 0.00002 and 0.00003; TOPMed 0.00003; ESP Exome Variant Server 0.00008.
gnomAD v4.1: 51 of 1,614,116 alleles (0.0032%); highest among the groups gnomAD compares: Non-Finnish European, 0.0042%; no homozygotes.

Submissions (6):

Labcorp Genetics (formerly Invitae), Labcorp
Classification: Likely benign for Familial hypobetalipoproteinemia 1; Hypercholesterolemia, autosomal dominant, type B. Last evaluated: 2026-01-26. Review status: criteria provided, single submitter. Criteria: Invitae Variant Classification Sherloc (09022015). Collection method: clinical testing. Allele origin: germline.

GeneDx
Classification: Uncertain significance. Last evaluated: 2025-08-15. Review status: criteria provided, single submitter. Criteria: GeneDx Variant Classification Process June 2021. Collection method: clinical testing. Allele origin: germline. Affected: yes.
Comment: Not observed at significant frequency in large population cohorts (gnomAD); In silico analysis supports that this missense variant has a deleterious effect on protein structure/function; Has not been previously published as pathogenic or benign to our knowledge

Ambry Genetics
Classification: Uncertain significance for Cardiovascular phenotype. Last evaluated: 2024-09-24. Review status: criteria provided, single submitter. Criteria: Ambry Variant Classification Scheme 2023. Collection method: clinical testing. Allele origin: germline.
Comment: The p.D213V variant (also known as c.638A>T), located in coding exon 6 of the APOB gene, results from an A to T substitution at nucleotide position 638. The aspartic acid at codon 213 is replaced by valine, an amino acid with highly dissimilar properties. This amino acid position is conserved. In addition, the in silico prediction for this alteration is inconclusive. Since supporting evidence is limited at this time, the clinical significance of this alteration remains unclear.

Fulgent Genetics
Classification: Uncertain significance for Hypercholesterolemia, autosomal dominant, type B; Familial hypobetalipoproteinemia 1. Last evaluated: 2021-08-27. Review status: criteria provided, single submitter. Criteria: ACMG Guidelines, 2015. Collection method: clinical testing. Allele origin: unknown.

Illumina Laboratory Services, Illumina
Classification: Uncertain significance for Familial hypobetalipoproteinemia 1. Last evaluated: 2018-01-13. Review status: criteria provided, single submitter. Criteria: ICSL Variant Classification Criteria 13 December 2019. Collection method: clinical testing. Allele origin: germline.

Illumina Laboratory Services, Illumina
Classification: Uncertain significance for Hypercholesterolemia, autosomal dominant, type B. Last evaluated: 2018-01-13. Review status: criteria provided, single submitter. Criteria: ICSL Variant Classification Criteria 13 December 2019. Collection method: clinical testing. Allele origin: germline.